The following is an entry in ClinVar:

GRCh38/hg38 1q21.1-21.2(chr1:146987841-148492647)x3

Genes: ACP6 (acid phosphatase 6, lysophosphatidic; minus strand), BCL9 (BCL9 transcription coactivator; plus strand), CHD1L (chromodomain helicase DNA binding protein 1 like; plus strand), FMO5 (flavin containing dimethylaniline monoxygenase 5; minus strand), GJA5 (gap junction protein alpha 5; minus strand) and 54 more. Cytogenetic location: 1q21.1-21.2.
Variant type: copy number gain.
Change: copy number 3 (three copies instead of two) of chr1:146,987,841-148,492,647 (1.50 Mb, GRCh38 coordinates, 1-based), cytogenetic band 1q21.1-21.2.
Identifiers: ClinVar variation 59350 (VCV000059350.2).

ClinVar aggregate classification (germline): Pathogenic (1 of 4 stars; one submission).

Submission:

ISCA Site 6
Classification: Pathogenic. Last evaluated: 2011-08-12. Review status: criteria provided, single submitter. Criteria: Kaminsky et al. (Genet Med. 2011). Collection method: clinical testing. Allele origin: unknown. Affected: yes. Observed: 1 variant allele.
Comment: Copy number variation identified through the course of routine clinical cytogenomic testing in postnatal populations. Clinical assertions have been curated as described in Kaminsky et al. 2011.